The following is an entry in ClinVar:

NM_001034853.2(RPGR):c.2180T>A (p.Met727Lys)

Gene: RPGR (retinitis pigmentosa GTPase regulator; minus strand). Cytogenetic location: Xp11.4.
Variant type: single nucleotide variant.
Coding change: c.2180T>A on transcript NM_001034853.2 (MANE Select); coding-DNA position 2180, T replaced by A.
Protein change: p.Met727Lys; replaces methionine 727 with lysine.
Molecular consequence: missense variant. On other transcripts: intron variant (8).
Genome position (GRCh38, 1-based): chrX:38,286,819, A>T on the plus strand (T>A on the coding strand, the complement: RPGR is on the minus strand). VCF-style: chrX-38286819-A-T. GRCh37 (hg19) VCF-style: chrX-38146072-A-T.
Other names: c.1569+4140T>A (NM_001367249.1, NM_001367250.1); c.1902+275T>A (NM_001367245.1); c.1386+4140T>A (NM_001367251.1); c.1719+275T>A (NM_001367246.1); c.1572+4140T>A (NM_001367247.1); c.1905+275T>A (NM_000328.3); c.1602+4140T>A (NM_001367248.1); short protein forms M727K.
Identifiers: ClinVar variation 2506181 (VCV002506181.1), dbSNP rs904024794, ClinGen allele CA412731256.

ClinVar aggregate classification (germline): Uncertain significance (1 of 4 stars; one submission).

Submission:

Women's Health and Genetics/Laboratory Corporation of America, LabCorp
Classification: Uncertain significance. Last evaluated: 2023-05-16. Review status: criteria provided, single submitter. Criteria: LabCorp Variant Classification Summary - May 2015. Collection method: clinical testing. Allele origin: germline.
Comment: Variant summary: RPGR c.1905+275T>A is located at a position not widely known to affect splicing. Three of three in-silico tools predict a benign effect of the variant on protein function. 4/4 computational tools predict no significant impact on normal splicing. However, these predictions have yet to be confirmed by functional studies. The variant was absent in 122807 control chromosomes (gnomAD). The available data on variant occurrences in the general population are insufficient to allow any conclusion about variant significance. c.1905+275T>A (also known as c.2180T>A) has been reported in the literature in an individual affected with Retinitis Pigmentosa, X-Linked (example: Bellingrath_2017). This report does not provide unequivocal conclusions about association of the variant with Retinitis Pigmentosa, X-Linked. To our knowledge, no experimental evidence demonstrating an impact on protein function has been reported. The following publication has been ascertained in the context of this evaluation (PMID: 28863407). No clinical diagnostic laboratories have submitted clinical-significance assessments for this variant to ClinVar after 2014. Based on the evidence outlined above, the variant was classified as VUS-possibly benign.

Literature cited by the submitters: PubMed 28863407.